The following is an entry in ClinVar:

ClinVar aggregate classification (germline): Pathogenic (1 of 4 stars; one submission).

Conditions:
Intestinal hypomagnesemia 1. Also called: HYPOMAGNESEMIA, INTESTINAL, WITH SECONDARY HYPOCALCEMIA; HYPOMAGNESEMIC TETANY. Identifiers: Orphanet 30924, MedGen C1865974, MONDO:0011176, OMIM 602014.

Submission:

Kasturba Medical College, Manipal, Kasturba Medical College, Manipal, Manipal Academy of Higher Education, Manipal, India
Classification: Pathogenic for Intestinal hypomagnesemia 1. Last evaluated: 2026-01-22. Review status: criteria provided, single submitter. Criteria: ACMG Guidelines, 2015. Collection method: research. Allele origin: biparental. Inheritance: Autosomal recessive inheritance. Affected: yes.
Comment: This variant is absent in homozygous and/or heterozygous state in the gnomAD (v4.1.0) population database and in our in-house data of 3913 exomes. This frameshift duplication is likely to cause shift in the reading frame of the transcript which likely introduces a premature termination codon. This may either result in the formation of a truncated protein product or the transcript to undergo nonsense-mediated mRNA decay. The clinical findings observed in the proband are in concordance with hypomagnesemia 1, intestinal.

NM_017662.5(TRPM6):c.1966dup (p.His656fs)

Gene: TRPM6 (transient receptor potential cation channel subfamily M member 6; minus strand). Cytogenetic location: 9q21.13.
Variant type: Duplication.
Coding change: c.1966dup on transcript NM_017662.5 (MANE Select); coding-DNA position 1966, one base duplicated (C; older notation c.1966dupC).
Protein change: p.His656fs; shifts the reading frame from histidine 656.
Molecular consequence: frameshift variant.
Genome position (GRCh38, 1-based): chr9:74,801,941, G duplicated on the plus strand (C on the coding strand, the reverse complement: TRPM6 is on the minus strand). VCF-style (leftmost placement, unchanged base first): chr9-74801940-T-TG. GRCh37 (hg19) VCF-style: chr9-77416856-T-TG.
Other names: c.1951dup, p.His651fs (NM_001177310.2, NM_001177311.2); short protein forms H651fs, H656fs.
Identifiers: ClinVar variation 4686645 (VCV004686645.1).
Genomic context (GRCh38, chr9:74,801,940, plus strand): 5'-TGAAGAGAGAACACTTACTTTGAGTAATTCTTCAACTCTTCTGAGGCATCATCCACCATG[T>TG]GACTCTCCTTAGCTTCATGGGCCATTGCCCGGTAGAGGATACACGCAATCACGGCTTTAA-3'